The following is an entry in ClinVar:

NC_000016.10:g.88323392_88339521del

Variant type: Deletion.
Identifiers: ClinVar variation 974022 (VCV000974022.1).

ClinVar aggregate classification (germline): Pathogenic (0 of 4 stars; one submission).

Conditions:
Fanconi anemia complementation group A (FANCA). Also called: Fanconi anemia, group A; FANCA-Related Fanconi Anemia. Identifiers: Orphanet 84, MedGen C3469521, MONDO:0009215, OMIM 227650.

Submission:

Leiden Open Variation Database
Classification: Pathogenic for Fanconi anemia complementation group A. Last evaluated: 2020-02-28. Review status: no assertion criteria provided. Collection method: curation. Allele origin: germline. Affected: yes.
Comment: Curator: Arleen D. Auerbach. Submitter to LOVD: Arleen D. Auerbach.

Literature cited by the submitters: PubMed 25168418.